The following is an entry in ClinVar:

NM_001378743.1(CYLD):c.1950-2A>T

Genes: CYLD (CYLD lysine 63 deubiquitinase; plus strand), CYLD-AS2 (CYLD antisense RNA 2; minus strand). Cytogenetic location: 16q12.1.
Variant type: single nucleotide variant.
Coding change: c.1950-2A>T on transcript NM_001378743.1 (MANE Select); the canonical splice acceptor site of the intron before coding-DNA position 1950, A replaced by T.
Molecular consequence: splice acceptor variant.
Genome position (GRCh38, 1-based): chr16:50,786,853, A>T. VCF-style: chr16-50786853-A-T. GRCh37 (hg19) VCF-style: chr16-50820764-A-T.
Other names: c.1941-2A>T (NM_001042355.2, NM_001378749.1, NM_001378746.1 and 6 more transcripts); c.1911-2A>T (NM_001378751.1, NM_001378752.1, NM_001378753.1); c.1275-2A>T (NM_001378754.1, NM_001378755.1); c.1950-2A>T (NM_015247.3).
Identifiers: ClinVar variation 3722187 (VCV003722187.2).

ClinVar aggregate classification (germline): Likely pathogenic (1 of 4 stars; one submission).

Submission:

Labcorp Genetics (formerly Invitae), Labcorp
Classification: Likely pathogenic. Last evaluated: 2025-04-24. Review status: criteria provided, single submitter. Criteria: Invitae Variant Classification Sherloc (09022015). Collection method: clinical testing. Allele origin: germline.
Comment: This sequence change affects an acceptor splice site in intron 13 of the CYLD gene. It is expected to disrupt RNA splicing. Variants that disrupt the donor or acceptor splice site typically lead to a loss of protein function (PMID: 16199547), and loss-of-function variants in CYLD are known to be pathogenic (PMID: 19462465). This variant is not present in population databases (gnomAD no frequency). Disruption of this splice site has been observed in individuals with cylindromatosis (PMID: 19807742; internal data). ClinVar contains an entry for this variant (Variation ID: 3722187). Studies have shown that disruption of this splice site is associated with altered splicing resulting in multiple RNA products (PMID: 19807742). In summary, the currently available evidence indicates that the variant is pathogenic, but additional data are needed to prove that conclusively. Therefore, this variant has been classified as Likely Pathogenic.

Literature cited by the submitters: PubMed 16199547; PubMed 19462465; PubMed 19807742.